The following is an entry in ClinVar:

ClinVar aggregate classification (germline): Uncertain significance (1 of 4 stars; one submission).

Conditions:
Familial sleep-related hypermotor epilepsy. Also called: Autosomal Dominant Sleep-Related Hypermotor (Hyperkinetic) Epilepsy. Identifiers: Orphanet 98784, MedGen C3696898, MONDO:0000030.
Autosomal dominant nocturnal frontal lobe epilepsy 1. Also called: EPILEPSY, NOCTURNAL FRONTAL LOBE, TYPE 1; CHRNA4-Related Nocturnal Frontal Lobe Epilepsy, Autosomal Dominant. Identifiers: Orphanet 98784, MedGen C1838049, MONDO:0010899, OMIM 600513.

Submission:

Labcorp Genetics (formerly Invitae), Labcorp
Classification: Uncertain significance. Last evaluated: 2022-08-09. Review status: criteria provided, single submitter. Criteria: Invitae Variant Classification Sherloc (09022015). Collection method: clinical testing. Allele origin: germline.
Comment: In summary, the available evidence is currently insufficient to determine the role of this variant in disease. Therefore, it has been classified as a Variant of Uncertain Significance. Algorithms developed to predict the effect of missense changes on protein structure and function (SIFT, PolyPhen-2, Align-GVGD) all suggest that this variant is likely to be tolerated. ClinVar contains an entry for this variant (Variation ID: 1475080). This variant has not been reported in the literature in individuals affected with CHRNA4-related conditions. This variant is not present in population databases (gnomAD no frequency). This sequence change replaces glutamic acid, which is acidic and polar, with aspartic acid, which is acidic and polar, at codon 116 of the CHRNA4 protein (p.Glu116Asp).

NM_000744.7(CHRNA4):c.348G>C (p.Glu116Asp)

Genes: CHRNA4 (cholinergic receptor nicotinic alpha 4 subunit; minus strand), LOC126863087 (P300/CBP strongly-dependent group 1 enhancer GRCh37_chr20:61986832-61988031; plus strand). Cytogenetic location: 20q13.33.
Variant type: single nucleotide variant.
Coding change: c.348G>C on transcript NM_000744.7 (MANE Select); coding-DNA position 348, G replaced by C.
Protein change: p.Glu116Asp; replaces glutamic acid 116 with aspartic acid.
Molecular consequence: missense variant. On other transcripts: 5 prime UTR variant (1), non-coding transcript variant (1).
Genome position (GRCh38, 1-based): chr20:63,356,010, C>G on the plus strand (G>C on the coding strand, the complement: CHRNA4 is on the minus strand). VCF-style: chr20-63356010-C-G. GRCh37 (hg19) VCF-style: chr20-61987362-C-G.
Other names: c.-199G>C (NM_001256573.2); c.348G>C (NM_000744.6); short protein forms E116D.
Identifiers: ClinVar variation 1475080 (VCV001475080.8), dbSNP rs866334493, ClinGen allele CA409641159.